The following is an entry in ClinVar:

NM_182914.3(SYNE2):c.8524A>G (p.Ile2842Val)

Gene: SYNE2 (spectrin repeat containing nuclear envelope protein 2; plus strand). Cytogenetic location: 14q23.2.
Variant type: single nucleotide variant.
Coding change: c.8524A>G on transcript NM_182914.3 (MANE Select); coding-DNA position 8524, A replaced by G.
Protein change: p.Ile2842Val; replaces isoleucine 2842 with valine.
Molecular consequence: missense variant.
Genome position (GRCh38, 1-based): chr14:64,052,437, A>G. VCF-style: chr14-64052437-A-G. GRCh37 (hg19) VCF-style: chr14-64519155-A-G.
Other names: c.8524A>G, p.Ile2842Val (NM_015180.6); short protein forms I2842V.
Identifiers: ClinVar variation 943011 (VCV000943011.12), dbSNP rs370213701, ClinGen allele CA7221121.

ClinVar aggregate classification (germline): Conflicting classifications of pathogenicity. Review status: criteria provided, conflicting classifications (1 of 4 stars). 2 submissions from 2 submitters: Uncertain significance (1); Likely benign (1). Last evaluated 2025-03-28.

Conditions:
Emery-Dreifuss muscular dystrophy 5, autosomal dominant (EDMD5). Also called: EMERY-DREIFUSS MUSCULAR DYSTROPHY 5. Identifiers: Orphanet 261, MedGen C2751805, MONDO:0013072, OMIM 612999.

Allele frequency attached by ClinVar (database versions not stated): gnomAD exomes 0.00001; ExAC 0.00002; gnomAD 0.00005 and 0.00006; TOPMed 0.00006; ESP Exome Variant Server 0.00008.
gnomAD v4.1: 26 of 1,612,876 alleles (0.0016%); highest among the groups gnomAD compares: African/African-American, 0.013%; no homozygotes.

Submissions (2):

Labcorp Genetics (formerly Invitae), Labcorp
Classification: Uncertain significance for Emery-Dreifuss muscular dystrophy 5, autosomal dominant. Last evaluated: 2025-03-28. Review status: criteria provided, single submitter. Criteria: Invitae Variant Classification Sherloc (09022015). Collection method: clinical testing. Allele origin: germline.
Comment: This sequence change replaces isoleucine, which is neutral and non-polar, with valine, which is neutral and non-polar, at codon 2842 of the SYNE2 protein (p.Ile2842Val). This variant is present in population databases (rs370213701, gnomAD 0.02%). This variant has not been reported in the literature in individuals affected with SYNE2-related conditions. ClinVar contains an entry for this variant (Variation ID: 943011). An algorithm developed to predict the effect of missense changes on protein structure and function outputs the following: PolyPhen-2: "Benign". The valine amino acid residue is found in multiple mammalian species, which suggests that this missense change does not adversely affect protein function. In summary, the available evidence is currently insufficient to determine the role of this variant in disease. Therefore, it has been classified as a Variant of Uncertain Significance.

Ambry Genetics
Classification: Likely benign. Last evaluated: 2023-03-27. Review status: criteria provided, single submitter. Criteria: Ambry Variant Classification Scheme 2023. Collection method: clinical testing. Allele origin: germline.